The following is an entry in ClinVar:

ClinVar aggregate classification (germline): Likely pathogenic (1 of 4 stars; one submission).

Submission:

GeneDx
Classification: Likely pathogenic. Last evaluated: 2025-08-22. Review status: criteria provided, single submitter. Criteria: GeneDx Variant Classification Process June 2021. Collection method: clinical testing. Allele origin: germline.
Comment: Frameshift variant predicted to result in abnormal protein length as the last 276 amino acid(s) are replaced with 36 different amino acid(s), and other similar variants have been reported in HGMD; Not observed at significant frequency in large population cohorts (gnomAD); Has not been previously published as pathogenic or benign to our knowledge

NM_021784.5(FOXA2):c.563del (p.Leu188fs)

Gene: FOXA2 (forkhead box A2; minus strand). Cytogenetic location: 20p11.21.
Variant type: Deletion.
Coding change: c.563del on transcript NM_021784.5 (MANE Select); coding-DNA position 563, one base deleted (T; older notation c.563delT).
Protein change: p.Leu188fs; shifts the reading frame from leucine 188.
Molecular consequence: frameshift variant.
Genome position (GRCh38, 1-based): chr20:22,582,679, A deleted on the plus strand (T on the coding strand, the reverse complement: FOXA2 is on the minus strand). VCF-style (leftmost placement, unchanged base first): chr20-22582678-CA-C. GRCh37 (hg19) VCF-style: chr20-22563316-CA-C.
Other names: c.545del, p.Leu182fs (NM_153675.3); short protein forms L182fs, L188fs.
Identifiers: ClinVar variation 3766281 (VCV003766281.2).